The following is an entry in ClinVar:

NM_020822.3(KCNT1):c.2771C>T (p.Pro924Leu)

Gene: KCNT1 (potassium sodium-activated channel subfamily T member 1; plus strand). Cytogenetic location: 9q34.3.
Variant type: single nucleotide variant.
Coding change: c.2771C>T on transcript NM_020822.3 (MANE Select); coding-DNA position 2771, C replaced by T.
Protein change: p.Pro924Leu; replaces proline 924 with leucine.
Molecular consequence: missense variant.
Genome position (GRCh38, 1-based): chr9:135,779,400, C>T. VCF-style: chr9-135779400-C-T. GRCh37 (hg19) VCF-style: chr9-138671246-C-T.
Other names: c.2636C>T, p.Pro879Leu (NM_001272003.2); short protein forms P879L, P924L.
Identifiers: ClinVar variation 2925457 (VCV002925457.3), dbSNP rs2491046098, ClinGen allele CA375515511.

ClinVar aggregate classification (germline): Pathogenic (1 of 4 stars; one submission).

Conditions:
Autosomal dominant nocturnal frontal lobe epilepsy 5. Also called: KCNT1-Related Epilepsy; CILIARY DYSKINESIA, PRIMARY, 28, WITH SITUS INVERSUS; CILIARY DYSKINESIA, PRIMARY, 28, WITHOUT SITUS INVERSUS; Epilepsy, nocturnal frontal lobe, 5. Identifiers: Orphanet 98784, MedGen C3554306, MONDO:0014002, OMIM 615005.
Developmental and epileptic encephalopathy, 14 (DEE14). Also called: Early infantile epileptic encephalopathy 14. Identifiers: Orphanet 293181, MedGen C3554195, MONDO:0013989, OMIM 614959.

Submission:

Labcorp Genetics (formerly Invitae), Labcorp
Classification: Pathogenic for Autosomal dominant nocturnal frontal lobe epilepsy 5; Developmental and epileptic encephalopathy, 14. Last evaluated: 2023-05-31. Review status: criteria provided, single submitter. Criteria: Invitae Variant Classification Sherloc (09022015). Collection method: clinical testing. Allele origin: germline.
Comment: This sequence change replaces proline, which is neutral and non-polar, with leucine, which is neutral and non-polar, at codon 924 of the KCNT1 protein (p.Pro924Leu). This variant is not present in population databases (gnomAD no frequency). This missense change has been observed in individual(s) with clinical features of developmental and epileptic encephalopathy (PMID: 23934111). In at least one individual the variant was observed to be de novo. Advanced modeling of protein sequence and biophysical properties (such as structural, functional, and spatial information, amino acid conservation, physicochemical variation, residue mobility, and thermodynamic stability) has been performed at Invitae for this missense variant, however the output from this modeling did not meet the statistical confidence thresholds required to predict the impact of this variant on KCNT1 protein function. Experimental studies have shown that this missense change affects KCNT1 function (PMID: 24591078). For these reasons, this variant has been classified as Pathogenic.

Literature cited by the submitters: PubMed 23934111; PubMed 24591078.